The following is an entry in ClinVar:

ClinVar aggregate classification (germline): Uncertain significance. Review status: criteria provided, multiple submitters, no conflicts (2 of 4 stars). 3 submissions from 3 submitters: Uncertain significance (3). Last evaluated 2025-08-01.

Conditions:
Kindler syndrome (KNDLRS). Also called: BULLOUS ACROKERATOTIC POIKILODERMA OF KINDLER AND WEARY; POIKILODERMA, CONGENITAL, WITH BULLAE, WEARY TYPE; POIKILODERMA, HEREDITARY ACROKERATOTIC; Hereditary acrokeratotic poikiloderma of Weary; Poikiloderma of Kindler; Congenital bullous poikiloderma. Identifiers: Orphanet 2908, Orphanet 306539, MedGen C0406557, MONDO:0008260, OMIM 173650.

Allele frequency attached by ClinVar (database versions not stated): TOPMed 0.00014; gnomAD exomes 0.00016 and 0.00026; gnomAD 0.00020 and 0.00021; ExAC 0.00021.
gnomAD v4.1: 410 of 1,612,460 alleles (0.025%); highest among the groups gnomAD compares: Non-Finnish European, 0.031%; 1 homozygote.

Submissions (3):

CeGaT Center for Human Genetics Tuebingen
Classification: Uncertain significance. Last evaluated: 2025-08-01. Review status: criteria provided, single submitter. Criteria: CeGaT Center For Human Genetics Tuebingen Variant Classification Criteria Version 2. Collection method: clinical testing. Allele origin: germline. Affected: yes. Observed: 1 variant allele.
Comment: FERMT1: PM2, PP3

Labcorp Genetics (formerly Invitae), Labcorp
Classification: Uncertain significance. Last evaluated: 2022-01-22. Review status: criteria provided, single submitter. Criteria: Invitae Variant Classification Sherloc (09022015). Collection method: clinical testing. Allele origin: germline.
Comment: This sequence change replaces arginine, which is basic and polar, with glutamine, which is neutral and polar, at codon 288 of the FERMT1 protein (p.Arg288Gln). This variant is present in population databases (rs202037230, gnomAD 0.03%). This variant has not been reported in the literature in individuals affected with FERMT1-related conditions. ClinVar contains an entry for this variant (Variation ID: 898989). Algorithms developed to predict the effect of missense changes on protein structure and function (SIFT, PolyPhen-2, Align-GVGD) all suggest that this variant is likely to be disruptive. In summary, the available evidence is currently insufficient to determine the role of this variant in disease. Therefore, it has been classified as a Variant of Uncertain Significance.

Illumina Laboratory Services, Illumina
Classification: Uncertain significance for Kindler syndrome. Last evaluated: 2017-05-15. Review status: criteria provided, single submitter. Criteria: ICSL Variant Classification Criteria 13 December 2019. Collection method: clinical testing. Allele origin: germline.
Comment: This variant was observed as part of a predisposition screen in an ostensibly healthy population. A literature search was performed for the gene, cDNA change, and amino acid change (where applicable). Publications were found based on this search. However, the evidence from the literature, in combination with allele frequency data from public databases where available, was not sufficient to rule this variant in or out of causing disease. Therefore, this variant is classified as a variant of unknown significance.

Literature cited by the submitters: PubMed 24635075 (cited by Illumina Laboratory Services, Illumina).

NM_017671.5(FERMT1):c.863G>A (p.Arg288Gln)

Gene: FERMT1 (FERM domain containing kindlin 1; minus strand). Cytogenetic location: 20p12.3.
Variant type: single nucleotide variant.
Coding change: c.863G>A on transcript NM_017671.5 (MANE Select); coding-DNA position 863, G replaced by A.
Protein change: p.Arg288Gln; replaces arginine 288 with glutamine.
Molecular consequence: missense variant.
Genome position (GRCh38, 1-based): chr20:6,097,618, C>T on the plus strand (G>A on the coding strand, the complement: FERMT1 is on the minus strand). VCF-style: chr20-6097618-C-T. GRCh37 (hg19) VCF-style: chr20-6078265-C-T.
Other names: short protein forms R288Q.
Identifiers: ClinVar variation 898989 (VCV000898989.14), dbSNP rs202037230, ClinGen allele CA9758321.